The following is an entry in ClinVar:

ClinVar aggregate classification (germline): Uncertain significance. Review status: criteria provided, multiple submitters, no conflicts (2 of 4 stars). 2 submissions from 2 submitters: Uncertain significance (2). Last evaluated 2025-12-02.

Conditions:
Inborn genetic diseases. Identifiers: MedGen C0950123, MeSH D030342.

gnomAD v4.1: 10 of 1,613,822 alleles (0.00062%); highest among the groups gnomAD compares: Admixed American, 0.0017%; no homozygotes.

Submissions (2):

Ambry Genetics
Classification: Uncertain significance for Inborn genetic diseases. Last evaluated: 2025-12-02. Review status: criteria provided, single submitter. Criteria: Ambry Variant Classification Scheme 2023. Collection method: clinical testing. Allele origin: germline.

Labcorp Genetics (formerly Invitae), Labcorp
Classification: Uncertain significance. Last evaluated: 2024-09-08. Review status: criteria provided, single submitter. Criteria: Invitae Variant Classification Sherloc (09022015). Collection method: clinical testing. Allele origin: germline.
Comment: This sequence change replaces glutamic acid, which is acidic and polar, with lysine, which is basic and polar, at codon 330 of the P4HB protein (p.Glu330Lys). This variant is present in population databases (rs773229493, gnomAD 0.003%). This variant has not been reported in the literature in individuals affected with P4HB-related conditions. Invitae Evidence Modeling of protein sequence and biophysical properties (such as structural, functional, and spatial information, amino acid conservation, physicochemical variation, residue mobility, and thermodynamic stability) indicates that this missense variant is not expected to disrupt P4HB protein function with a negative predictive value of 80%. In summary, the available evidence is currently insufficient to determine the role of this variant in disease. Therefore, it has been classified as a Variant of Uncertain Significance.

NM_000918.4(P4HB):c.988G>A (p.Glu330Lys)

Gene: P4HB (prolyl 4-hydroxylase subunit beta; minus strand). Cytogenetic location: 17q25.3.
Variant type: single nucleotide variant.
Coding change: c.988G>A on transcript NM_000918.4 (MANE Select); coding-DNA position 988, G replaced by A.
Protein change: p.Glu330Lys; replaces glutamic acid 330 with lysine.
Molecular consequence: missense variant.
Genome position (GRCh38, 1-based): chr17:81,846,497, C>T on the plus strand (G>A on the coding strand, the complement: P4HB is on the minus strand). VCF-style: chr17-81846497-C-T. GRCh37 (hg19) VCF-style: chr17-79804373-C-T.
Other names: c.988G>A (NM_000918.3); short protein forms E330K.
Identifiers: ClinVar variation 3674034 (VCV003674034.3).